The following continues an entry in ClinVar:

NM_000059.4(BRCA2):c.7180A>T (p.Arg2394Ter)

Gene: BRCA2. ClinVar aggregate classification (germline): Pathogenic. Pathogenic (1).

Submissions 13 to 17 of 17:

Consortium of Investigators of Modifiers of BRCA1/2 (CIMBA), c/o University of Cambridge
Classification: Pathogenic for Breast-ovarian cancer, familial, susceptibility to, 2. Last evaluated: 2015-10-02. Review status: criteria provided, single submitter. Criteria: CIMBA Mutation Classification guidelines May 2016. Collection method: clinical testing. Allele origin: germline. Not counted in ClinVar's aggregate classification.

Counsyl
Classification: Pathogenic for Breast-ovarian cancer, familial, susceptibility to, 2. Last evaluated: 2016-09-06. Review status: no assertion criteria provided. Collection method: clinical testing. Allele origin: unknown. Not counted in ClinVar's aggregate classification.

Research Molecular Genetics Laboratory, Women's College Hospital, University of Toronto
Classification: Pathogenic for Hereditary breast ovarian cancer syndrome. Last evaluated: 2014-01-31. Review status: no assertion criteria provided. Collection method: research. Allele origin: germline. Affected: yes. Study: The Canadian Open Genetics Repository (COGR). Not counted in ClinVar's aggregate classification.

Sharing Clinical Reports Project (SCRP)
Classification: Pathogenic for Breast-ovarian cancer, familial 2. Last evaluated: 2010-10-28. Review status: no assertion criteria provided. Collection method: clinical testing. Allele origin: germline. Not counted in ClinVar's aggregate classification.

Breast Cancer Information Core (BIC) (BRCA2)
Classification: Pathogenic for Breast-ovarian cancer, familial 2. Last evaluated: 2002-05-29. Review status: no assertion criteria provided. Collection method: clinical testing. Allele origin: germline. Affected: yes. Observed: 6 variant alleles. Not counted in ClinVar's aggregate classification.

Literature cited by the submitters: PubMed 20104584 (cited by Labcorp Genetics (formerly Invitae), Labcorp); PubMed 15340362 (cited by 5 submitters); PubMed 24065114 (cited by Labcorp Genetics (formerly Invitae), Labcorp); PubMed 25136594 (cited by 3 submitters); PubMed 25366421 (cited by 6 submitters); PubMed 28454591 (cited by 3 submitters); PubMed 29446198 (cited by Dasa and Quest Diagnostics Nichols Institute San Juan Capistrano); PubMed 29907814 (cited by Dasa and Quest Diagnostics Nichols Institute San Juan Capistrano); PubMed 17224268 (cited by Ambry Genetics); PubMed 20051372 (cited by Ambry Genetics); PubMed 21990299 (cited by Ambry Genetics); PubMed 27741520 (cited by Ambry Genetics); PubMed 27836010 (cited by Ambry Genetics and Color Diagnostics, LLC DBA Color Health); PubMed 27856273 (cited by Ambry Genetics); PubMed 30257646 (cited by Ambry Genetics and Quest Diagnostics Nichols Institute San Juan Capistrano); PubMed 31336956 (cited by Ambry Genetics and Quest Diagnostics Nichols Institute San Juan Capistrano); PubMed 32438681 (cited by Ambry Genetics and Quest Diagnostics Nichols Institute San Juan Capistrano); PubMed 29061375 (cited by Quest Diagnostics Nichols Institute San Juan Capistrano); PubMed 30736435 (cited by Quest Diagnostics Nichols Institute San Juan Capistrano); PubMed 36139606 (cited by Quest Diagnostics Nichols Institute San Juan Capistrano); PubMed 29625052 (cited by Quest Diagnostics Nichols Institute San Juan Capistrano); PubMed 36555431 (cited by Quest Diagnostics Nichols Institute San Juan Capistrano); PubMed 35534704 (cited by Quest Diagnostics Nichols Institute San Juan Capistrano); PubMed 24131973 (cited by 3 submitters); PubMed 34200245 (cited by Color Diagnostics, LLC DBA Color Health).